The following is an entry in ClinVar:

NM_001042681.2(RERE):c.2752C>G (p.Leu918Val)

Gene: RERE (arginine-glutamic acid dipeptide repeats; minus strand). Cytogenetic location: 1p36.23.
Variant type: single nucleotide variant.
Coding change: c.2752C>G on transcript NM_001042681.2 (MANE Select); coding-DNA position 2752, C replaced by G.
Protein change: p.Leu918Val; replaces leucine 918 with valine.
Molecular consequence: missense variant.
Genome position (GRCh38, 1-based): chr1:8,360,755, G>C on the plus strand (C>G on the coding strand, the complement: RERE is on the minus strand). VCF-style: chr1-8360755-G-C. GRCh37 (hg19) VCF-style: chr1-8420815-G-C.
Other names: c.1090C>G, p.Leu364Val (NM_001042682.2); c.2752C>G, p.Leu918Val (NM_012102.4); short protein forms L364V, L918V.
Identifiers: ClinVar variation 3573771 (VCV003573771.1).

ClinVar aggregate classification (germline): Uncertain significance (1 of 4 stars; one submission).

Submission:

GeneDx
Classification: Uncertain significance. Last evaluated: 2024-07-19. Review status: criteria provided, single submitter. Criteria: GeneDx Variant Classification Process June 2021. Collection method: clinical testing. Allele origin: germline. Affected: yes.
Comment: Not observed at significant frequency in large population cohorts (gnomAD); In silico analysis indicates that this missense variant does not alter protein structure/function; Has not been previously published as pathogenic or benign to our knowledge